The following is an entry in ClinVar:

ClinVar aggregate classification (germline): Likely pathogenic (1 of 4 stars; one submission).

Submission:

Labcorp Genetics (formerly Invitae), Labcorp
Classification: Likely pathogenic. Last evaluated: 2024-01-29. Review status: criteria provided, single submitter. Criteria: Invitae Variant Classification Sherloc (09022015). Collection method: clinical testing. Allele origin: germline.
Comment: This sequence change affects a donor splice site in intron 12 of the RARS2 gene. It is expected to disrupt RNA splicing. Variants that disrupt the donor or acceptor splice site typically lead to a loss of protein function (PMID: 16199547), and loss-of-function variants in RARS2 are known to be pathogenic (PMID: 17847012, 22569581, 26083569). This variant is not present in population databases (gnomAD no frequency). This variant has not been reported in the literature in individuals affected with RARS2-related conditions. Algorithms developed to predict the effect of sequence changes on RNA splicing suggest that this variant may disrupt the consensus splice site. In summary, the currently available evidence indicates that the variant is pathogenic, but additional data are needed to prove that conclusively. Therefore, this variant has been classified as Likely Pathogenic.

Literature cited by the submitters: PubMed 16199547; PubMed 17847012; PubMed 22569581; PubMed 26083569.

NM_020320.5(RARS2):c.1035+1G>T

Gene: RARS2 (arginyl-tRNA synthetase 2, mitochondrial; minus strand). Cytogenetic location: 6q15.
Variant type: single nucleotide variant.
Coding change: c.1035+1G>T on transcript NM_020320.5 (MANE Select); the canonical splice donor site of the intron after coding-DNA position 1035, G replaced by T.
Molecular consequence: splice donor variant.
Genome position (GRCh38, 1-based): chr6:87,521,463, C>A on the plus strand (G>T on the coding strand, the complement: RARS2 is on the minus strand). VCF-style: chr6-87521463-C-A. GRCh37 (hg19) VCF-style: chr6-88231181-C-A.
Other names: c.1035+1G>T (NM_001350505.2); c.510+1G>T (NM_001350509.2, NM_001318785.2, NM_001350506.2 and 4 more transcripts).
Identifiers: ClinVar variation 2713972 (VCV002713972.3), dbSNP rs1773811703, ClinGen allele CA364925515.